The following is an entry in ClinVar:

NM_024652.6(LRRK1):c.6034C>T (p.Arg2012Cys)

Genes: LRRK1 (leucine rich repeat kinase 1; plus strand), LRRK1-AS1 (LRRK1 antisense RNA 1; minus strand). Cytogenetic location: 15q26.3.
Variant type: single nucleotide variant.
Coding change: c.6034C>T on transcript NM_024652.6 (MANE Select); coding-DNA position 6034, C replaced by T.
Protein change: p.Arg2012Cys; replaces arginine 2012 with cysteine.
Molecular consequence: missense variant.
Genome position (GRCh38, 1-based): chr15:101,068,834, C>T. VCF-style: chr15-101068834-C-T. GRCh37 (hg19) VCF-style: chr15-101609039-C-T.
Other names: c.6034C>T (NM_024652.3); short protein forms R2012C.
Identifiers: ClinVar variation 1486078 (VCV001486078.6), dbSNP rs780306812, ClinGen allele CA7762332.
Genomic context (GRCh38, chr15:101,068,834, plus strand): 5'-AGGGAGTTCGACATTTTCTACCAGTCCTACGAGGAGCTGGGCCGGCTGGAGGCTTGCACT[C>T]GCAAGAGAAGGTAATTCCTGTGGAATGACTGTCACACATCAGAGCTGGCTGGCCCGGGGC-3'
Protein context (NP_078928.3, residues 2002-2015): EELGRLEACT[Arg2012Cys]KRR

ClinVar aggregate classification (germline): Uncertain significance. Review status: criteria provided, multiple submitters, no conflicts (2 of 4 stars). 2 submissions from 2 submitters: Uncertain significance (2). Last evaluated 2025-06-30.

Conditions:
Inborn genetic diseases. Identifiers: MedGen C0950123, MeSH D030342.

Allele frequency attached by ClinVar (database versions not stated): ExAC 0.00001; gnomAD exomes 0.00001; TOPMed 0.00001.
gnomAD v4.1: 12 of 1,602,638 alleles (0.00075%); highest among the groups gnomAD compares: South Asian, 0.0011%; no homozygotes.

Submissions (2):

Ambry Genetics
Classification: Uncertain significance for Inborn genetic diseases. Last evaluated: 2025-06-30. Review status: criteria provided, single submitter. Criteria: Ambry Variant Classification Scheme 2023. Collection method: clinical testing. Allele origin: germline.

Labcorp Genetics (formerly Invitae), Labcorp
Classification: Uncertain significance. Last evaluated: 2023-12-06. Review status: criteria provided, single submitter. Criteria: Invitae Variant Classification Sherloc (09022015). Collection method: clinical testing. Allele origin: germline.
Comment: This sequence change replaces arginine, which is basic and polar, with cysteine, which is neutral and slightly polar, at codon 2012 of the LRRK1 protein (p.Arg2012Cys). This variant is present in population databases (rs780306812, gnomAD 0.0009%). This variant has not been reported in the literature in individuals affected with LRRK1-related conditions. ClinVar contains an entry for this variant (Variation ID: 1486078). An algorithm developed to predict the effect of missense changes on protein structure and function (PolyPhen-2) suggests that this variant is likely to be disruptive. In summary, the available evidence is currently insufficient to determine the role of this variant in disease. Therefore, it has been classified as a Variant of Uncertain Significance.